The following is an entry in ClinVar:

ClinVar aggregate classification (germline): Likely pathogenic (1 of 4 stars; one submission).

Conditions:
Argininosuccinate lyase deficiency. Also called: ARGININOSUCCINIC ACID LYASE DEFICIENCY; ASL DEFICIENCY; Argininosuccinic aciduria. Identifiers: Orphanet 23, MedGen C0268547, MONDO:0008815, OMIM 207900, HP:0025630.

Submission:

Women's Health and Genetics/Laboratory Corporation of America, LabCorp
Classification: Likely pathogenic for Argininosuccinate lyase deficiency. Last evaluated: 2024-11-08. Review status: criteria provided, single submitter. Criteria: LabCorp Variant Classification Summary - May 2015. Collection method: clinical testing. Allele origin: germline.
Comment: Variant summary: ASL c.377G>T (p.Arg126Leu) results in a non-conservative amino acid change located in the Fumarate lyase, N-terminal domain (IPR022761) of the encoded protein sequence. Four of five in-silico tools predict a damaging effect of the variant on protein function. The variant was absent in 250468 control chromosomes (gnomAD). c.377G>T has been reported in the literature in a homozygous individual affected with argininosuccinic aciduria (example: Zielonka_2020). These data indicate that the variant is very likely to be associated with disease. Additionally, other missense changes at the same codon such as p.Arg126Trp and p.Arg126Gln, have been classified as pathogenic in ClinVar suggesting this is a functionally important residue. The following publication has been ascertained in the context of this evaluation (PMID: 31943503). No submitters have cited clinical-significance assessments for this variant to ClinVar. Based on the evidence outlined above, the variant was classified as likely pathogenic.

Literature cited by the submitters: PubMed 31943503.

NM_000048.4(ASL):c.377G>T (p.Arg126Leu)

Gene: ASL (argininosuccinate lyase; plus strand). Cytogenetic location: 7q11.21.
Variant type: single nucleotide variant.
Coding change: c.377G>T on transcript NM_000048.4 (MANE Select); coding-DNA position 377, G replaced by T.
Protein change: p.Arg126Leu; replaces arginine 126 with leucine.
Molecular consequence: missense variant.
Genome position (GRCh38, 1-based): chr7:66,083,105, G>T. VCF-style: chr7-66083105-G-T. GRCh37 (hg19) VCF-style: chr7-65548092-G-T.
Other names: c.377G>T, p.Arg126Leu (NM_001024943.2, NM_001024944.2, NM_001024946.2); short protein forms R126L.
Identifiers: ClinVar variation 3629754 (VCV003629754.1).